The following is an entry in ClinVar:

NM_001347721.2(DYRK1A):c.1105G>A (p.Gly369Ser)

Gene: DYRK1A (dual specificity tyrosine phosphorylation regulated kinase 1A; plus strand). Cytogenetic location: 21q22.13.
Variant type: single nucleotide variant.
Coding change: c.1105G>A on transcript NM_001347721.2 (MANE Select); coding-DNA position 1105, G replaced by A.
Protein change: p.Gly369Ser; replaces glycine 369 with serine.
Molecular consequence: missense variant.
Genome position (GRCh38, 1-based): chr21:37,496,151, G>A. VCF-style: chr21-37496151-G-A. GRCh37 (hg19) VCF-style: chr21-38868453-G-A.
Other names: c.1105G>A, p.Gly369Ser (NM_001347722.2, NM_130436.2); c.1018G>A, p.Gly340Ser (NM_001347723.2); c.1132G>A, p.Gly378Ser (NM_001396.5, NM_101395.2, NM_130438.2); short protein forms G378S, G369S, G340S.
Identifiers: ClinVar variation 587976 (VCV000587976.5), dbSNP rs758421024, ClinGen allele CA10023924.
Genomic context (GRCh38, chr21:37,496,151, plus strand): 5'-GTTTTGTTGTTTTTATTTTTAATACAGGTAGATCAGATGAATAAAATAGTGGAAGTTCTG[G>A]GTATTCCACCTGCTCATATTCTTGACCAAGCACCAAAAGCAAGAAAGTTCTTTGAGAAGT-3'
Protein context (NP_001334650.1, residues 359-379): DQMNKIVEVL[Gly369Ser]IPPAHILDQA

ClinVar aggregate classification (germline): Uncertain significance (1 of 4 stars; one submission).

Conditions:
Inborn genetic diseases. Identifiers: MedGen C0950123, MeSH D030342.

Allele frequency attached by ClinVar (database versions not stated): ExAC 0.00001; gnomAD exomes 0.00001.
gnomAD v4.1: 3 of 1,613,210 alleles (0.00019%); highest among the groups gnomAD compares: South Asian, 0.0022%; no homozygotes.

Submission:

Ambry Genetics
Classification: Uncertain significance for Inborn genetic diseases. Last evaluated: 2016-06-23. Review status: criteria provided, single submitter. Criteria: Ambry Variant Classification Scheme 2023. Collection method: clinical testing. Allele origin: germline.
Comment: The p.G378S variant (also known as c.1132G>A), located in coding exon 8 of the DYRK1A gene, results from a G to A substitution at nucleotide position 1132. The glycine at codon 378 is replaced by serine, an amino acid with similar properties. This variant was not reported in population based cohorts in the following databases: Database of Single Nucleotide Polymorphisms (dbSNP), NHLBI Exome Sequencing Project (ESP), and 1000 Genomes Project. In the ESP, this variant was not observed in 6503 samples (13006 alleles) with coverage at this position. This amino acid position is well conserved in available vertebrate species. In addition, this alteration is predicted to be tolerated by in silico analysis. Since supporting evidence is limited at this time, the clinical significance of this variant remains unclear.